The following is an entry in ClinVar:

ClinVar aggregate classification (germline): Uncertain significance (1 of 4 stars; one submission).

Conditions:
Primary ciliary dyskinesia. Also called: Ciliary dyskinesia. Identifiers: Orphanet 244, MedGen C0008780, MONDO:0016575, HP:0012265.

Allele frequency attached by ClinVar (database versions not stated): gnomAD exomes below 0.00001; ExAC 0.00001; gnomAD 0.00001; 1000 Genomes Project 30x 0.00016; 1000 Genomes Project 0.00020.
gnomAD v4.1: 6 of 1,613,840 alleles (0.00037%); highest among the groups gnomAD compares: South Asian, 0.0066%; no homozygotes.

Submission:

Labcorp Genetics (formerly Invitae), Labcorp
Classification: Uncertain significance for Primary ciliary dyskinesia. Last evaluated: 2019-03-26. Review status: criteria provided, single submitter. Criteria: Invitae Variant Classification Sherloc (09022015). Collection method: clinical testing. Allele origin: germline.
Comment: In summary, the available evidence is currently insufficient to determine the role of this variant in disease. Therefore, it has been classified as a Variant of Uncertain Significance. Algorithms developed to predict the effect of missense changes on protein structure and function are either unavailable or do not agree on the potential impact of this missense change (SIFT: "Deleterious"; PolyPhen-2: "Not Available"; Align-GVGD: "Class C0"). This variant has not been reported in the literature in individuals with DNAH8-related conditions. This variant is present in population databases (rs533990732, ExAC 0.006%). This sequence change replaces glycine with valine at codon 2606 of the DNAH8 protein (p.Gly2606Val). The glycine residue is moderately conserved and there is a moderate physicochemical difference between glycine and valine.

NM_001206927.2(DNAH8):c.7817G>T (p.Gly2606Val)

Gene: DNAH8 (dynein axonemal heavy chain 8; plus strand). Cytogenetic location: 6p21.2.
Variant type: single nucleotide variant.
Coding change: c.7817G>T on transcript NM_001206927.2 (MANE Select); coding-DNA position 7817, G replaced by T.
Protein change: p.Gly2606Val; replaces glycine 2606 with valine.
Molecular consequence: missense variant.
Genome position (GRCh38, 1-based): chr6:38,875,787, G>T. VCF-style: chr6-38875787-G-T. GRCh37 (hg19) VCF-style: chr6-38843563-G-T.
Other names: c.7166G>T, p.Gly2389Val (NM_001371.4); short protein forms G2606V, G2389V.
Identifiers: ClinVar variation 851051 (VCV000851051.8), dbSNP rs533990732, ClinGen allele CA3790021.